The following is an entry in ClinVar:

NM_001369268.1(ACAN):c.5219C>G (p.Ser1740Ter)

Gene: ACAN (aggrecan; plus strand). Cytogenetic location: 15q26.1.
Variant type: single nucleotide variant.
Coding change: c.5219C>G on transcript NM_001369268.1 (MANE Select); coding-DNA position 5219, C replaced by G.
Protein change: p.Ser1740Ter; replaces serine 1740 with a stop codon.
Molecular consequence: nonsense.
Genome position (GRCh38, 1-based): chr15:88,857,804, C>G. VCF-style: chr15-88857804-C-G. GRCh37 (hg19) VCF-style: chr15-89401035-C-G.
Other names: c.5219C>G, p.Ser1740Ter (NM_001135.4, NM_001411096.1, NM_001411097.1 and 1 more transcripts); short protein forms S1740*.
Identifiers: ClinVar variation 4850014 (VCV004850014.1).

ClinVar aggregate classification (germline): Likely pathogenic (1 of 4 stars; one submission).

Conditions:
Autosomal dominant ACAN-related disorders.

Submission:

Variantyx, Inc.
Classification: Likely pathogenic for Autosomal dominant ACAN-related disorders. Last evaluated: 2025-10-07. Review status: criteria provided, single submitter. Criteria: Variantyx Assertion Criteria 2022. Collection method: clinical testing. Allele origin: germline. Inheritance: Autosomal dominant inheritance. Affected: yes.
Comment: This is a nonsense variant in the ACAN gene (OMIM: 155760). Pathogenic variants in this gene have been associated with autosomal dominant ACAN-related disorders. This variant introduces a premature termination codon in exon 12 out of 19 and is expected to result in loss of function, which is a known disease mechanism for ACAN in this disorder (PMID: 27353333, 24762113, 7574678) (PVS1). This variant is absent from control populations (PM2), and it has not been reported in individuals with ACAN-related disorders in the databases available for review. Based on the current evidence, this variant is classified as likely pathogenic for autosomal dominant ACAN-related disorders.

Literature cited by the submitters: PubMed 27353333; PubMed 24762113; PubMed 7574678.